The following is an entry in ClinVar:

ClinVar aggregate classification (germline): Conflicting classifications of pathogenicity. Review status: criteria provided, conflicting classifications (1 of 4 stars). 3 submissions from 3 submitters: Uncertain significance (1); Benign (1); Likely benign (1). Last evaluated 2023-12-14.

Conditions:
Tuberous sclerosis syndrome (TSC). Also called: Tuberous sclerosis; Tuberous Sclerosis Complex. Identifiers: Orphanet 805, MedGen C0041341, MONDO:0001734.

Allele frequency attached by ClinVar (database versions not stated): gnomAD 0.00004 and 0.00005; TOPMed 0.00007; 1000 Genomes Project 0.00020; 1000 Genomes Project 30x 0.00031.

Submissions (3):

Blueprint Genetics
Classification: Likely benign. Last evaluated: 2023-12-14. Review status: criteria provided, single submitter. Criteria: ACMG Guidelines, 2015. Collection method: clinical testing. Allele origin: germline.

Illumina Laboratory Services, Illumina
Classification: Uncertain significance for Tuberous sclerosis syndrome. Last evaluated: 2018-01-13. Review status: criteria provided, single submitter. Criteria: ICSL Variant Classification Criteria 13 December 2019. Collection method: clinical testing. Allele origin: germline.

GeneDx
Classification: Benign. Last evaluated: 2015-08-05. Review status: criteria provided, single submitter. Criteria: GeneDx Variant Classification (06012015). Collection method: clinical testing. Allele origin: germline. Affected: yes.
Comment: This variant is considered likely benign or benign based on one or more of the following criteria: it is a conservative change, it occurs at a poorly conserved position in the protein, it is predicted to be benign by multiple in silico algorithms, and/or has population frequency not consistent with disease.

NM_000548.5(TSC2):c.-34G>A

Genes: TSC2 (TSC complex subunit 2; plus strand), LOC130058210 (ATAC-STARR-seq lymphoblastoid silent region 7024; plus strand). Cytogenetic location: 16p13.3.
Variant type: single nucleotide variant.
Coding change: c.-34G>A on transcript NM_000548.5 (MANE Select); 34 bases upstream of the start codon, G replaced by A.
Molecular consequence: 5 prime UTR variant.
Genome position (GRCh38, 1-based): chr16:2,048,061, G>A. VCF-style: chr16-2048061-G-A. GRCh37 (hg19) VCF-style: chr16-2098062-G-A.
Other names: c.-34G>A (NM_001077183.3, NM_001114382.3, NM_001318827.2 and 4 more transcripts); c.-14G>A (NM_001318829.2); c.-260G>A (NM_001318831.2).
Identifiers: ClinVar variation 378770 (VCV000378770.6), dbSNP rs559641280, ClinGen allele CA16607133.